The following is an entry in ClinVar:

NM_001385875.1(ZFYVE27):c.916C>T (p.Pro306Ser)

Gene: ZFYVE27 (zinc finger FYVE-type containing 27; plus strand). Cytogenetic location: 10q24.2.
Variant type: single nucleotide variant.
Coding change: c.916C>T on transcript NM_001385875.1 (MANE Select); coding-DNA position 916, C replaced by T.
Protein change: p.Pro306Ser; replaces proline 306 with serine.
Molecular consequence: missense variant. On other transcripts: non-coding transcript variant (17).
Genome position (GRCh38, 1-based): chr10:97,753,056, C>T. VCF-style: chr10-97753056-C-T. GRCh37 (hg19) VCF-style: chr10-99512813-C-T.
Other names: c.931C>T, p.Pro311Ser (NM_001002261.4, NM_001385871.1); c.895C>T, p.Pro299Ser (NM_001002262.4, NM_001385880.1, NM_001385881.1 and 2 more transcripts); c.799C>T, p.Pro267Ser (NM_001174119.2, NM_001385889.1); c.637C>T, p.Pro213Ser (NM_001174120.2); c.616C>T, p.Pro206Ser (NM_001174121.2, NM_001385915.1); c.541C>T, p.Pro181Ser (NM_001174122.2); c.949C>T, p.Pro317Ser (NM_001385876.1); c.913C>T, p.Pro305Ser (NM_001385877.1); and 14 more; short protein forms P306S, P311S, P299S, P206S, P267S, P181S, P213S, P188S.
Identifiers: ClinVar variation 930241 (VCV000930241.3), dbSNP rs750236764, ClinGen allele CA377997975.

ClinVar aggregate classification (germline): Uncertain significance (1 of 4 stars; one submission).

Conditions:
Hereditary spastic paraplegia 33. Also called: SPASTIC PARAPLEGIA 33, AUTOSOMAL DOMINANT. Identifiers: MedGen C1853251, MONDO:0012448, OMIM 610244.

Submission:

Centre for Mendelian Genomics, University Medical Centre Ljubljana
Classification: Uncertain significance for Hereditary spastic paraplegia 33. Last evaluated: 2018-11-28. Review status: criteria provided, single submitter. Criteria: ACMG Guidelines, 2015. Collection method: clinical testing. Allele origin: unknown. Affected: yes.
Comment: This variant was classified as: Uncertain significance. The available evidence on this variant's pathogenicity is insufficient or conflicting. The following ACMG criteria were applied in classifying this variant: PM2.